The following is an entry in ClinVar:

NM_001385125.1(OPN1SW):c.667G>A (p.Ala223Thr)

Gene: OPN1SW (opsin 1, short wave sensitive; minus strand). Cytogenetic location: 7q32.1.
Variant type: single nucleotide variant.
Coding change: c.667G>A on transcript NM_001385125.1 (MANE Select); coding-DNA position 667, G replaced by A.
Protein change: p.Ala223Thr; replaces alanine 223 with threonine.
Molecular consequence: missense variant.
Genome position (GRCh38, 1-based): chr7:128,774,509, C>T on the plus strand (G>A on the coding strand, the complement: OPN1SW is on the minus strand). VCF-style: chr7-128774509-C-T. GRCh37 (hg19) VCF-style: chr7-128414563-C-T.
Other names: short protein forms A223T.
Identifiers: ClinVar variation 1354132 (VCV001354132.6), dbSNP rs182633734, ClinGen allele CA369218306.

ClinVar aggregate classification (germline): Uncertain significance (1 of 4 stars; one submission).

Allele frequency attached by ClinVar (database versions not stated): gnomAD exomes below 0.00001.
gnomAD v4.1: 5 of 1,613,922 alleles (0.00031%); highest among the groups gnomAD compares: Non-Finnish European, 0.00034%; no homozygotes.

Submission:

Labcorp Genetics (formerly Invitae), Labcorp
Classification: Uncertain significance. Last evaluated: 2023-02-11. Review status: criteria provided, single submitter. Criteria: Invitae Variant Classification Sherloc (09022015). Collection method: clinical testing. Allele origin: germline.
Comment: This variant has not been reported in the literature in individuals affected with OPN1SW-related conditions. In summary, the available evidence is currently insufficient to determine the role of this variant in disease. Therefore, it has been classified as a Variant of Uncertain Significance. Algorithms developed to predict the effect of missense changes on protein structure and function output the following: SIFT: "Tolerated"; PolyPhen-2: "Benign"; Align-GVGD: "Class C0". The threonine amino acid residue is found in multiple mammalian species, which suggests that this missense change does not adversely affect protein function. ClinVar contains an entry for this variant (Variation ID: 1354132). This variant is not present in population databases (gnomAD no frequency). This sequence change replaces alanine, which is neutral and non-polar, with threonine, which is neutral and polar, at codon 226 of the OPN1SW protein (p.Ala226Thr).